The following is an entry in ClinVar:

NM_053025.4(MYLK):c.502G>C (p.Gly168Arg)

Gene: MYLK (myosin light chain kinase; minus strand). Cytogenetic location: 3q21.1.
Variant type: single nucleotide variant.
Coding change: c.502G>C on transcript NM_053025.4 (MANE Select); coding-DNA position 502, G replaced by C.
Protein change: p.Gly168Arg; replaces glycine 168 with arginine.
Molecular consequence: missense variant. On other transcripts: 5 prime UTR variant (1).
Genome position (GRCh38, 1-based): chr3:123,738,983, C>G on the plus strand (G>C on the coding strand, the complement: MYLK is on the minus strand). VCF-style: chr3-123738983-C-G. GRCh37 (hg19) VCF-style: chr3-123457830-C-G.
Other names: c.-27G>C (NM_001321309.2); c.502G>C, p.Gly168Arg (NM_053026.4, NM_053027.4, NM_053028.4); short protein forms G168R.
Identifiers: ClinVar variation 3371305 (VCV003371305.1).

ClinVar aggregate classification (germline): Uncertain significance (1 of 4 stars; one submission).

Submission:

GeneDx
Classification: Uncertain significance. Last evaluated: 2024-03-25. Review status: criteria provided, single submitter. Criteria: GeneDx Variant Classification Process June 2021. Collection method: clinical testing. Allele origin: germline. Affected: yes.
Comment: Not observed at significant frequency in large population cohorts (gnomAD); In silico analysis supports that this missense variant does not alter protein structure/function; Has not been previously published as pathogenic or benign to our knowledge